The following is an entry in ClinVar:

ClinVar aggregate classification (germline): Uncertain significance (1 of 4 stars; one submission).

Conditions:
LRRC45-related disorder. Also called: LRRC45-related condition.

Submission:

PreventionGenetics, part of Exact Sciences
Classification: Uncertain significance for LRRC45-related condition. Last evaluated: 2026-08-31. Review status: criteria provided, single submitter. Criteria: ACMG Guidelines, 2015. Collection method: clinical testing. Allele origin: germline.
Comment: The LRRC45 c.920T>C variant is predicted to result in the amino acid substitution p.Met307Thr. To our knowledge, this variant has not been reported in the literature or in a large population database (gnomAD), indicating this variant is rare. At this time, the clinical significance of this variant is uncertain due to the absence of conclusive functional and genetic evidence.

NM_144999.4(LRRC45):c.920T>C (p.Met307Thr)

Gene: LRRC45 (leucine rich repeat containing 45; plus strand). Cytogenetic location: 17q25.3.
Variant type: single nucleotide variant.
Coding change: c.920T>C on transcript NM_144999.4 (MANE Select); coding-DNA position 920, T replaced by C.
Protein change: p.Met307Thr; replaces methionine 307 with threonine.
Molecular consequence: missense variant.
Genome position (GRCh38, 1-based): chr17:82,028,019, T>C. VCF-style: chr17-82028019-T-C. GRCh37 (hg19) VCF-style: chr17-79985895-T-C.
Other names: short protein forms M307T.
Identifiers: ClinVar variation 4991523 (VCV004991523.1).